The following is an entry in ClinVar:

ClinVar aggregate classification (germline): Uncertain significance (1 of 4 stars; one submission).

Conditions:
Progressive myoclonic epilepsy type 8. Identifiers: Orphanet 424027, MedGen C5190825, MONDO:0014545, OMIM 616230.

Allele frequency attached by ClinVar (database versions not stated): gnomAD exomes below 0.00001 and 0.00001; gnomAD 0.00009 and 0.00010; TOPMed 0.00017.
gnomAD v4.1: 20 of 1,613,220 alleles (0.0012%); highest among the groups gnomAD compares: African/African-American, 0.023%; no homozygotes.

Submission:

Labcorp Genetics (formerly Invitae), Labcorp
Classification: Uncertain significance for Progressive myoclonic epilepsy type 8. Last evaluated: 2025-08-21. Review status: criteria provided, single submitter. Criteria: Invitae Variant Classification Sherloc (09022015). Collection method: clinical testing. Allele origin: germline.
Comment: This sequence change replaces serine, which is neutral and polar, with phenylalanine, which is neutral and non-polar, at codon 192 of the CERS1 protein (p.Ser192Phe). The frequency data for this variant in the population databases is considered unreliable, as metrics indicate poor data quality at this position in the gnomAD database. This variant has not been reported in the literature in individuals affected with CERS1-related conditions. ClinVar contains an entry for this variant (Variation ID: 656194). Invitae Evidence Modeling of protein sequence and biophysical properties (such as structural, functional, and spatial information, amino acid conservation, physicochemical variation, residue mobility, and thermodynamic stability) indicates that this missense variant is not expected to disrupt CERS1 protein function with a negative predictive value of 80%. In summary, the available evidence is currently insufficient to determine the role of this variant in disease. Therefore, it has been classified as a Variant of Uncertain Significance.

NM_021267.5(CERS1):c.575C>T (p.Ser192Phe)

Genes: CERS1 (ceramide synthase 1; minus strand), GDF1 (growth differentiation factor 1; minus strand). Cytogenetic location: 19p13.11.
Variant type: single nucleotide variant.
Coding change: c.575C>T on transcript NM_021267.5 (MANE Select); coding-DNA position 575, C replaced by T.
Protein change: p.Ser192Phe; replaces serine 192 with phenylalanine.
Molecular consequence: missense variant. On other transcripts: 5 prime UTR variant (2).
Genome position (GRCh38, 1-based): chr19:18,884,102, G>A on the plus strand (C>T on the coding strand, the complement: CERS1 is on the minus strand). VCF-style: chr19-18884102-G-A. GRCh37 (hg19) VCF-style: chr19-18994911-G-A.
Other names: c.281C>T, p.Ser94Phe (NM_001290265.2, NM_001387442.1, NM_001387443.1 and 2 more transcripts); c.575C>T, p.Ser192Phe (NM_001387439.1, NM_001387440.1, NM_001387441.1 and 1 more transcripts); c.-328C>T (NM_001387438.1); c.-748C>T (NM_001492.6); short protein forms S192F, S94F.
Identifiers: ClinVar variation 656194 (VCV000656194.10), dbSNP rs1009080328, ClinGen allele CA306248782.